The following is an entry in ClinVar:

NM_015559.3(SETBP1):c.1532A>G (p.Asp511Gly)

Gene: SETBP1 (SET binding protein 1; plus strand). Cytogenetic location: 18q12.3.
Variant type: single nucleotide variant.
Coding change: c.1532A>G on transcript NM_015559.3 (MANE Select); coding-DNA position 1532, A replaced by G.
Protein change: p.Asp511Gly; replaces aspartic acid 511 with glycine.
Molecular consequence: missense variant.
Genome position (GRCh38, 1-based): chr18:44,950,872, A>G. VCF-style: chr18-44950872-A-G. GRCh37 (hg19) VCF-style: chr18-42530837-A-G.
Other names: c.1532A>G, p.Asp511Gly (NM_001379141.1, NM_001379142.1, NM_001410862.1); short protein forms D511G.
Identifiers: ClinVar variation 2820449 (VCV002820449.3), dbSNP rs2071330874, ClinGen allele CA402318722.

ClinVar aggregate classification (germline): Uncertain significance (1 of 4 stars; one submission).

Submission:

Labcorp Genetics (formerly Invitae), Labcorp
Classification: Uncertain significance. Last evaluated: 2023-08-04. Review status: criteria provided, single submitter. Criteria: Invitae Variant Classification Sherloc (09022015). Collection method: clinical testing. Allele origin: germline.
Comment: In summary, the available evidence is currently insufficient to determine the role of this variant in disease. Therefore, it has been classified as a Variant of Uncertain Significance. Advanced modeling of protein sequence and biophysical properties (such as structural, functional, and spatial information, amino acid conservation, physicochemical variation, residue mobility, and thermodynamic stability) performed at Invitae indicates that this missense variant is not expected to disrupt SETBP1 protein function. This variant has not been reported in the literature in individuals affected with SETBP1-related conditions. This variant is not present in population databases (gnomAD no frequency). This sequence change replaces aspartic acid, which is acidic and polar, with glycine, which is neutral and non-polar, at codon 511 of the SETBP1 protein (p.Asp511Gly).